The following is an entry in ClinVar:

NM_022464.5(SIL1):c.992G>A (p.Arg331His)

Gene: SIL1 (SIL1 nucleotide exchange factor; minus strand). Cytogenetic location: 5q31.2.
Variant type: single nucleotide variant.
Coding change: c.992G>A on transcript NM_022464.5 (MANE Select); coding-DNA position 992, G replaced by A.
Protein change: p.Arg331His; replaces arginine 331 with histidine.
Molecular consequence: missense variant.
Genome position (GRCh38, 1-based): chr5:138,951,208, C>T on the plus strand (G>A on the coding strand, the complement: SIL1 is on the minus strand). VCF-style: chr5-138951208-C-T. GRCh37 (hg19) VCF-style: chr5-138286897-C-T.
Other names: c.992G>A, p.Arg331His (NM_001037633.2); short protein forms R331H.
Identifiers: ClinVar variation 4886720 (VCV004886720.2).
Genomic context (GRCh38, chr5:138,951,208, plus strand): 5'-ACTGGGTGGGCCTGGGCACTCACCTTCTCCGTGACCAGGTCGTAGAGCAGTGTGACCACG[C>T]GCACGGCGAGCACCTCCGTGCCCTTCTCCTGCACCAGGGTCCTCAGGACCTGCAGCCCCC-3'
Protein context (NP_071909.1, residues 321-341): QEKGTEVLAV[Arg331His]VVTLLYDLVT

ClinVar aggregate classification (germline): Uncertain significance (1 of 4 stars; one submission).

gnomAD v4.1: 52 of 1,610,236 alleles (0.0032%); highest among the groups gnomAD compares: Middle Eastern, 0.016%; no homozygotes.

Submission:

Dasa
Classification: Uncertain significance. Last evaluated: 2025-06-13. Review status: criteria provided, single submitter. Criteria: DASA Assertion Criteria. Collection method: clinical testing. Allele origin: germline.
Comment: NM_022464.5(SIL1):c.992G>A (p.Arg331His) is a missense variant that results in the substitution of arginine with histidine. This variant has been observed in affected individuals with SIL1-related disorders. Also, this variant is rare in population databases. The currently available literature and clinical evidence are not sufficient to establish a definitive association between this variant and the reported condition. Therefore, this variant is classified as a variant of uncertain significance.